The following is an entry in ClinVar:

ClinVar aggregate classification (germline): Pathogenic/Likely pathogenic. Review status: criteria provided, multiple submitters, no conflicts (2 of 4 stars). 2 submissions from 2 submitters: Pathogenic (1); Likely pathogenic (1). Last evaluated 2024-06-06.

Conditions:
Primary ciliary dyskinesia 14. Also called: CILIARY DYSKINESIA, PRIMARY, 14, WITH OR WITHOUT SITUS INVERSUS. Identifiers: Orphanet 244, MedGen C3151136, MONDO:0013434, OMIM 613807.
Primary ciliary dyskinesia. Also called: Ciliary dyskinesia. Identifiers: Orphanet 244, MedGen C0008780, MONDO:0016575, HP:0012265.

Submissions (2):

Fulgent Genetics
Classification: Likely pathogenic for Primary ciliary dyskinesia 14. Last evaluated: 2024-06-06. Review status: criteria provided, single submitter. Criteria: ACMG Guidelines, 2015. Collection method: clinical testing. Allele origin: germline.

Labcorp Genetics (formerly Invitae), Labcorp
Classification: Pathogenic for Primary ciliary dyskinesia. Last evaluated: 2024-01-29. Review status: criteria provided, single submitter. Criteria: Invitae Variant Classification Sherloc (09022015). Collection method: clinical testing. Allele origin: germline.
Comment: This sequence change creates a premature translational stop signal (p.His340Argfs*2) in the CCDC39 gene. It is expected to result in an absent or disrupted protein product. Loss-of-function variants in CCDC39 are known to be pathogenic (PMID: 21131972, 23255504). This variant is not present in population databases (gnomAD no frequency). This variant has not been reported in the literature in individuals affected with CCDC39-related conditions. For these reasons, this variant has been classified as Pathogenic.

Literature cited by the submitters: PubMed 21131972 (cited by Labcorp Genetics (formerly Invitae), Labcorp); PubMed 23255504 (cited by Labcorp Genetics (formerly Invitae), Labcorp).

NM_181426.2(CCDC39):c.1018_1019insG (p.His340fs)

Gene: CCDC39 (coiled-coil domain 39 molecular ruler complex subunit; minus strand). Cytogenetic location: 3q26.33.
Variant type: Insertion.
Coding change: c.1018_1019insG on transcript NM_181426.2 (MANE Select); coding-DNA positions 1018 to 1019, G inserted.
Protein change: p.His340fs; shifts the reading frame from histidine 340.
Molecular consequence: frameshift variant.
Genome position: GRCh38 VCF-style: chr3-180652178-T-TC. GRCh37 (hg19) VCF-style: chr3-180369966-T-TC.
Other names: short protein forms H340fs.
Identifiers: ClinVar variation 3588960 (VCV003588960.3).